The following is an entry in ClinVar:

NM_198535.3(ZNF699):c.1014_1097del (p.Ser346_Ser373del)

Gene: ZNF699 (zinc finger protein 699; minus strand). Cytogenetic location: 19p13.2.
Variant type: Deletion.
Coding change: c.1014_1097del on transcript NM_198535.3 (MANE Select); coding-DNA positions 1014 to 1097, 84 bases deleted.
Protein change: p.Ser346_Ser373del.
Molecular consequence: inframe deletion.
Genome position (GRCh38, 1-based): chr19:9,296,307-9,296,390, 84 bases deleted. GRCh37 (hg19): chr19:9,406,994-9,407,077.
Other names: p.(Ser346_Ser373del).
Identifiers: ClinVar variation 2921276 (VCV002921276.1).

ClinVar aggregate classification (germline): Uncertain significance (1 of 4 stars; one submission).

Conditions:
DEGCAGS syndrome. Also called: DEVELOPMENTAL DELAY WITH GASTROINTESTINAL, CARDIOVASCULAR, GENITOURINARY, AND SKELETAL ABNORMALITIES. Identifiers: MedGen C5561967, MONDO:0859181, OMIM 619488.

Submission:

Center for Medical Genetics and Molecular Medicine, Haukeland University Hospital
Classification: Uncertain significance for DEGCAGS syndrome. Last evaluated: 2024-02-01. Review status: criteria provided, single submitter. Criteria: ACMG Guidelines, 2015. Collection method: clinical testing. Allele origin: germline. Inheritance: Autosomal recessive inheritance. Affected: yes.
Comment: ACMG subscores: PM4, PM2_sup, PM3_sup